The following is an entry in ClinVar:

ClinVar aggregate classification (germline): Likely benign. Review status: criteria provided, multiple submitters, no conflicts (2 of 4 stars). 7 submissions from 7 submitters: Likely benign (3). 4 of the submissions do not count toward it. Last evaluated 2025-12-08.

Conditions:
Cardiovascular phenotype. Identifiers: MedGen CN230736.
Dilated cardiomyopathy 1G (CMD1G). Identifiers: Orphanet 154, MedGen C1858763, MONDO:0011400, OMIM 604145.
Autosomal recessive limb-girdle muscular dystrophy type 2J (LGMDR10). Also called: MUSCULAR DYSTROPHY, LIMB-GIRDLE, AUTOSOMAL RECESSIVE 10; Limb-girdle muscular dystrophy, type 2J. Identifiers: Orphanet 140922, MedGen C1837342, MONDO:0012127, OMIM 608807.

Allele frequency attached by ClinVar (database versions not stated): gnomAD exomes 0.00001; gnomAD 0.00002; TOPMed 0.00003; ESP Exome Variant Server 0.00016.
gnomAD v4.1: 17 of 1,613,640 alleles (0.0011%); highest among the groups gnomAD compares: Admixed American, 0.0017%; no homozygotes.

Submissions (7):

Labcorp Genetics (formerly Invitae), Labcorp
Classification: Likely benign for Dilated cardiomyopathy 1G; Autosomal recessive limb-girdle muscular dystrophy type 2J. Last evaluated: 2025-12-08. Review status: criteria provided, single submitter. Criteria: Invitae Variant Classification Sherloc (09022015). Collection method: clinical testing. Allele origin: germline.

CeGaT Center for Human Genetics Tuebingen
Classification: Likely benign. Last evaluated: 2025-12-01. Review status: criteria provided, single submitter. Criteria: CeGaT Center For Human Genetics Tuebingen Variant Classification Criteria Version 2. Collection method: clinical testing. Allele origin: germline. Affected: yes. Observed: 1 variant allele.
Comment: TTN: BP4, BP7

Ambry Genetics
Classification: Likely benign for Cardiovascular phenotype. Last evaluated: 2024-10-27. Review status: criteria provided, single submitter. Criteria: Ambry Variant Classification Scheme 2023. Collection method: clinical testing. Allele origin: germline.

Clinical Genetics DNA and cytogenetics Diagnostics Lab, Erasmus MC, Erasmus Medical Center
Classification: Likely benign. Review status: no assertion criteria provided. Collection method: clinical testing. Allele origin: germline. Affected: yes. Study: VKGL Data-share Consensus. Not counted in ClinVar's aggregate classification.

Clinical Genetics, Academic Medical Center
Classification: Benign. Review status: no assertion criteria provided. Collection method: clinical testing. Allele origin: germline. Affected: yes. Study: VKGL Data-share Consensus. Not counted in ClinVar's aggregate classification.

Diagnostic Laboratory, Department of Genetics, University Medical Center Groningen
Classification: Likely benign. Review status: no assertion criteria provided. Collection method: clinical testing. Allele origin: germline. Affected: yes. Study: VKGL Data-share Consensus. Not counted in ClinVar's aggregate classification.

Laboratory of Diagnostic Genome Analysis, Leiden University Medical Center (LUMC)
Classification: Likely benign. Review status: no assertion criteria provided. Collection method: clinical testing. Allele origin: germline. Affected: yes. Study: VKGL Data-share Consensus. Not counted in ClinVar's aggregate classification.

NM_001267550.2(TTN):c.95877G>A (p.Val31959=)

Genes: TTN (titin; minus strand), TTN-AS1 (TTN antisense RNA 1; plus strand). Cytogenetic location: 2q31.2.
Variant type: single nucleotide variant.
Coding change: c.95877G>A on transcript NM_001267550.2 (MANE Select); coding-DNA position 95877, G replaced by A.
Protein change: p.Val31959=; no amino-acid change (valine 31959 retained).
Molecular consequence: synonymous variant.
Genome position (GRCh38, 1-based): chr2:178,544,352, C>T on the plus strand (G>A on the coding strand, the complement: TTN is on the minus strand). VCF-style: chr2-178544352-C-T. GRCh37 (hg19) VCF-style: chr2-179409079-C-T.
Other names: c.90954G>A, p.Val30318= (NM_001256850.1); c.68682G>A, p.Val22894= (NM_003319.4); c.88173G>A, p.Val29391= (NM_133378.4); c.69057G>A, p.Val23019= (NM_133432.3); c.69258G>A, p.Val23086= (NM_133437.4).
Identifiers: ClinVar variation 1137606 (VCV001137606.19), dbSNP rs373041862, ClinGen allele CA60970600.
Genomic context (GRCh38, chr2:178,544,352, plus strand): 5'-CTGGCCCATTTTAAGGTCTGGCACAGTGAATTCAGTATTTCTTATTGTGGCATTGGTATG[C>T]ACTCGGTACCACTGATCAGTGTCCTTCTCTTGCATTTCCAGAACATATCCTACAATGTCA-3'
Protein context (NP_001254479.2, residues 31949-31969): QEKDTDQWYR[Val31959=]HTNATIRNTE